The following is an entry in ClinVar:

ClinVar aggregate classification (germline): Conflicting classifications of pathogenicity. Review status: criteria provided, conflicting classifications (1 of 4 stars). 4 submissions from 4 submitters: Uncertain significance (3); Likely benign (1). Last evaluated 2023-02-06.

Conditions:
Intellectual disability. Also called: intellectual disabilities; Intellectual functioning disability; Intellectual developmental disorder. Identifiers: MedGen C3714756, MeSH D008607, MONDO:0001071, HP:0001249.
Inborn genetic diseases. Identifiers: MedGen C0950123, MeSH D030342.

Allele frequency attached by ClinVar (database versions not stated): TOPMed 0.00004; gnomAD exomes 0.00008 and 0.00019; ExAC 0.00018; 1000 Genomes Project 30x 0.00031; gnomAD 0.00006 and 0.00007; 1000 Genomes Project 0.00040.
gnomAD v4.1: 131 of 1,613,868 alleles (0.0081%); highest among the groups gnomAD compares: South Asian, 0.085%; no homozygotes.

Submissions (4):

Ambry Genetics
Classification: Uncertain significance for Inborn genetic diseases. Last evaluated: 2023-02-06. Review status: criteria provided, single submitter. Criteria: Ambry Variant Classification Scheme 2023. Collection method: clinical testing. Allele origin: germline.

Labcorp Genetics (formerly Invitae), Labcorp
Classification: Uncertain significance. Last evaluated: 2022-12-06. Review status: criteria provided, single submitter. Criteria: Invitae Variant Classification Sherloc (09022015). Collection method: clinical testing. Allele origin: germline.
Comment: In summary, the available evidence is currently insufficient to determine the role of this variant in disease. Therefore, it has been classified as a Variant of Uncertain Significance. Algorithms developed to predict the effect of missense changes on protein structure and function output the following: SIFT: "Tolerated"; PolyPhen-2: "Benign"; Align-GVGD: "Class C0". The glutamine amino acid residue is found in multiple mammalian species, which suggests that this missense change does not adversely affect protein function. ClinVar contains an entry for this variant (Variation ID: 1307591). This variant has not been reported in the literature in individuals affected with CDK5RAP2-related conditions. This variant is present in population databases (rs141387242, gnomAD 0.1%). This sequence change replaces arginine, which is basic and polar, with glutamine, which is neutral and polar, at codon 427 of the CDK5RAP2 protein (p.Arg427Gln).

Cambridge Genomics Laboratory, East Genomic Laboratory Hub, NHS Genomic Medicine Service
Classification: Likely benign for Intellectual disability. Last evaluated: 2020-03-27. Review status: criteria provided, single submitter. Criteria: ACGS Best Practice Guidelines for Variant Classification in Rare Disease 2020. Collection method: clinical testing. Allele origin: germline. Affected: yes. Observed: 1 variant allele.

GeneDx
Classification: Uncertain significance. Last evaluated: 2019-03-13. Review status: criteria provided, single submitter. Criteria: GeneDx Variant Classification Process June 2021. Collection method: clinical testing. Allele origin: germline. Affected: yes.
Comment: In silico analysis, which includes protein predictors and evolutionary conservation, supports that this variant does not alter protein structure/function; Has not been previously published as pathogenic or benign to our knowledge

NM_018249.6(CDK5RAP2):c.1280G>A (p.Arg427Gln)

Gene: CDK5RAP2 (CDK5 regulatory subunit associated protein 2; minus strand). Cytogenetic location: 9q33.2.
Variant type: single nucleotide variant.
Coding change: c.1280G>A on transcript NM_018249.6 (MANE Select); coding-DNA position 1280, G replaced by A.
Protein change: p.Arg427Gln; replaces arginine 427 with glutamine.
Molecular consequence: missense variant. On other transcripts: non-coding transcript variant (5).
Genome position (GRCh38, 1-based): chr9:120,518,458, C>T on the plus strand (G>A on the coding strand, the complement: CDK5RAP2 is on the minus strand). VCF-style: chr9-120518458-C-T. GRCh37 (hg19) VCF-style: chr9-123280736-C-T.
Other names: c.1280G>A, p.Arg427Gln (NM_001011649.3, NM_001272039.2); short protein forms R427Q.
Identifiers: ClinVar variation 1307591 (VCV001307591.7), dbSNP rs141387242, ClinGen allele CA5214455.